The following is an entry in ClinVar:

NM_002187.3(IL12B):c.783C>T (p.Thr261=)

Gene: IL12B (interleukin 12B; minus strand). Cytogenetic location: 5q33.3.
Variant type: single nucleotide variant.
Coding change: c.783C>T on transcript NM_002187.3 (MANE Select); coding-DNA position 783, C replaced by T.
Protein change: p.Thr261=; no amino-acid change (threonine 261 retained).
Molecular consequence: synonymous variant.
Genome position (GRCh38, 1-based): chr5:159,318,808, G>A on the plus strand (C>T on the coding strand, the complement: IL12B is on the minus strand). VCF-style: chr5-159318808-G-A. GRCh37 (hg19) VCF-style: chr5-158745816-G-A.
Identifiers: ClinVar variation 3026992 (VCV003026992.22), dbSNP rs2480201570, ClinGen allele CA447509887.

ClinVar aggregate classification (germline): Likely benign (1 of 4 stars; one submission).

Submission:

CeGaT Center for Human Genetics Tuebingen
Classification: Likely benign. Last evaluated: 2024-01-01. Review status: criteria provided, single submitter. Criteria: CeGaT Center For Human Genetics Tuebingen Variant Classification Criteria Version 2. Collection method: clinical testing. Allele origin: germline. Affected: yes. Observed: 1 variant allele.
Comment: IL12B: PM2:Supporting, BP4, BP7